The following is an entry in ClinVar:

ClinVar aggregate classification (germline): Pathogenic (1 of 4 stars; one submission).

Submission:

Labcorp Genetics (formerly Invitae), Labcorp
Classification: Pathogenic. Last evaluated: 2022-09-12. Review status: criteria provided, single submitter. Criteria: Invitae Variant Classification Sherloc (09022015). Collection method: clinical testing. Allele origin: germline.
Comment: Algorithms developed to predict the effect of sequence changes on RNA splicing suggest that this variant may disrupt the consensus splice site. For these reasons, this variant has been classified as Pathogenic. This variant has not been reported in the literature in individuals affected with COL4A3-related conditions. This variant is not present in population databases (gnomAD no frequency). This sequence change creates a premature translational stop signal (p.Gly1173Valfs*3) in the COL4A3 gene. It is expected to result in an absent or disrupted protein product. Loss-of-function variants in COL4A3 are known to be pathogenic (PMID: 8956999, 24854265, 26809805, 27281700). ClinVar contains an entry for this variant (Variation ID: 1073387).

Literature cited by the submitters: PubMed 8956999; PubMed 24854265; PubMed 26809805; PubMed 27281700.

NM_000091.5(COL4A3):c.3517+1del

Genes: COL4A3 (collagen type IV alpha 3 chain; plus strand), MFF-DT (MFF divergent transcript; minus strand). Cytogenetic location: 2q36.3.
Variant type: Deletion.
Coding change: c.3517+1del on transcript NM_000091.5 (MANE Select); the canonical splice donor site of the intron after coding-DNA position 3517, one base deleted (G; older notation c.3517+1delG).
Molecular consequence: splice donor variant.
Genome position (GRCh38, 1-based): chr2:227,295,063, G deleted; the last of 3 consecutive G bases (chr2:227,295,061-227,295,063); deleting any one gives the same sequence. VCF-style (leftmost placement, unchanged base first): chr2-227295060-CG-C. GRCh37 (hg19) VCF-style: chr2-228159776-CG-C.
Identifiers: ClinVar variation 1073387 (VCV001073387.7), dbSNP rs2106236191, ClinGen allele CA2499215749.